The following is an entry in ClinVar:

NM_206937.2(LIG4):c.1507C>G (p.Leu503Val)

Gene: LIG4 (DNA ligase 4; minus strand). Cytogenetic location: 13q33.3.
Variant type: single nucleotide variant.
Coding change: c.1507C>G on transcript NM_206937.2 (MANE Select); coding-DNA position 1507, C replaced by G.
Protein change: p.Leu503Val; replaces leucine 503 with valine.
Molecular consequence: missense variant.
Genome position (GRCh38, 1-based): chr13:108,209,762, G>C on the plus strand (C>G on the coding strand, the complement: LIG4 is on the minus strand). VCF-style: chr13-108209762-G-C. GRCh37 (hg19) VCF-style: chr13-108862110-G-C.
Other names: c.1507C>G, p.Leu503Val (NM_001098268.2, NM_001352598.2, NM_001352599.2 and 6 more transcripts); c.1306C>G, p.Leu436Val (NM_001330595.2); c.1543C>G, p.Leu515Val (NM_001352604.2); short protein forms L515V, L436V, L503V.
Identifiers: ClinVar variation 1398411 (VCV001398411.8), dbSNP rs747572491, ClinGen allele CA388617043.

ClinVar aggregate classification (germline): Uncertain significance (1 of 4 stars; one submission).

Conditions:
DNA ligase IV deficiency. Identifiers: Orphanet 99812, MedGen C1847827, MONDO:0011686, OMIM 606593.

gnomAD v4.1: 4 of 1,614,102 alleles (0.00025%); highest among the groups gnomAD compares: Non-Finnish European, 0.00034%; no homozygotes.

Submission:

Labcorp Genetics (formerly Invitae), Labcorp
Classification: Uncertain significance for DNA ligase IV deficiency. Last evaluated: 2021-04-06. Review status: criteria provided, single submitter. Criteria: Invitae Variant Classification Sherloc (09022015). Collection method: clinical testing. Allele origin: germline.
Comment: In summary, the available evidence is currently insufficient to determine the role of this variant in disease. Therefore, it has been classified as a Variant of Uncertain Significance. Algorithms developed to predict the effect of missense changes on protein structure and function (SIFT, PolyPhen-2, Align-GVGD) all suggest that this variant is likely to be tolerated, but these predictions have not been confirmed by published functional studies and their clinical significance is uncertain. This variant has not been reported in the literature in individuals with LIG4-related conditions. This variant is not present in population databases (ExAC no frequency). This sequence change replaces leucine with valine at codon 503 of the LIG4 protein (p.Leu503Val). The leucine residue is moderately conserved and there is a small physicochemical difference between leucine and valine.